The following is an entry in ClinVar:

NM_002769.5(PRSS1):c.178T>A (p.Ser60Thr)

Genes: PRSS1 (serine protease 1; plus strand), TRB (T cell receptor beta locus; plus strand). Cytogenetic location: 7q34.
Variant type: single nucleotide variant.
Coding change: c.178T>A on transcript NM_002769.5 (MANE Select); coding-DNA position 178, T replaced by A.
Protein change: p.Ser60Thr; replaces serine 60 with threonine.
Molecular consequence: missense variant. On other transcripts: non-coding transcript variant (4).
Genome position (GRCh38, 1-based): chr7:142,750,692, T>A. VCF-style: chr7-142750692-T-A. GRCh37 (hg19) VCF-style: chr7-142458543-T-A.
Other names: short protein forms S60T.
Identifiers: ClinVar variation 3310658 (VCV003310658.1).
Genomic context (GRCh38, chr7:142,750,692, plus strand): 5'-TCCCTGAATTCTGGCTACCACTTCTGTGGTGGCTCCCTCATCAACGAACAGTGGGTGGTA[T>A]CAGCAGGCCACTGCTACAAGTCGTAAGTGTGGGGCCCCCGACTGCAAAGCTCCCGGCCAG-3'
Protein context (NP_002760.1, residues 50-70): GSLINEQWVV[Ser60Thr]AGHCYKSRIQ

ClinVar aggregate classification (germline): Uncertain significance (1 of 4 stars; one submission).

Conditions:
Hereditary pancreatitis (PCTT). Also called: PRSS1-Related Hereditary Pancreatitis; Hereditary chronic pancreatitis. Identifiers: Orphanet 676, MedGen C0238339, MONDO:0008185, OMIM 167800.

Submission:

Ambry Genetics
Classification: Uncertain significance for Hereditary pancreatitis. Last evaluated: 2024-05-31. Review status: criteria provided, single submitter. Criteria: Ambry Variant Classification Scheme 2023. Collection method: clinical testing. Allele origin: germline.
Comment: The p.S60T variant (also known as c.178T>A), located in coding exon 2 of the PRSS1 gene, results from a T to A substitution at nucleotide position 178. The serine at codon 60 is replaced by threonine, an amino acid with similar properties. This amino acid position is conserved. In addition, the in silico prediction for this alteration is inconclusive. Based on the available evidence, the clinical significance of this variant remains unclear.